The following is an entry in ClinVar:

ClinVar aggregate classification (germline): Uncertain significance (1 of 4 stars; one submission).

Submission:

GeneDx
Classification: Uncertain significance. Last evaluated: 2025-05-12. Review status: criteria provided, single submitter. Criteria: GeneDx Variant Classification Process June 2021. Collection method: clinical testing. Allele origin: germline.
Comment: Not observed at significant frequency in large population cohorts (gnomAD); In silico analysis supports a deleterious effect on protein structure/function; Has not been previously published as pathogenic or benign to our knowledge

NM_001005273.3(CHD3):c.5822_5823delinsCA (p.Gly1941Ala)

Gene: CHD3 (chromodomain helicase DNA binding protein 3; plus strand). Cytogenetic location: 17p13.1.
Variant type: Indel.
Coding change: c.5822_5823delinsCA on transcript NM_001005273.3 (MANE Select); coding-DNA positions 5822 to 5823, GG replaced by CA.
Protein change: p.Gly1941Ala; replaces glycine 1941 with alanine.
Molecular consequence: missense variant.
Genome position (GRCh38, 1-based): chr17:7,910,914-7,910,915, GG replaced by CA. VCF-style: chr17-7910914-GG-CA. GRCh37 (hg19) VCF-style: chr17-7814232-GG-CA.
Other names: c.5999_6000delinsCA, p.Gly2000Ala (NM_001005271.3); c.5720_5721delinsCA, p.Gly1907Ala (NM_005852.4); short protein forms G1907A, G1941A, G2000A.
Identifiers: ClinVar variation 2663685 (VCV002663685.2), dbSNP rs2545183874, ClinGen allele CA2695201241.